The following is an entry in ClinVar:

NM_000075.4(CDK4):c.670G>C (p.Gly224Arg)

Genes: TSPAN31 (tetraspanin 31; plus strand), CDK4 (cyclin dependent kinase 4; minus strand). Cytogenetic location: 12q14.1.
Variant type: single nucleotide variant.
Coding change: c.670G>C on transcript NM_000075.4 (MANE Select); coding-DNA position 670, G replaced by C.
Protein change: p.Gly224Arg; replaces glycine 224 with arginine.
Molecular consequence: missense variant. On other transcripts: 3 prime UTR variant (3).
Genome position (GRCh38, 1-based): chr12:57,749,467, C>G on the plus strand (G>C on the coding strand, the complement: CDK4 is on the minus strand). VCF-style: chr12-57749467-C-G. GRCh37 (hg19) VCF-style: chr12-58143250-C-G.
Other names: c.*2177C>G (NM_001330168.2, NM_001330169.2, NM_005981.5); short protein forms G224R.
Identifiers: ClinVar variation 483295 (VCV000483295.13), dbSNP rs1555201123, ClinGen allele CA385543955.

ClinVar aggregate classification (germline): Uncertain significance. Review status: criteria provided, multiple submitters, no conflicts (2 of 4 stars). 2 submissions from 2 submitters: Uncertain significance (2). Last evaluated 2025-06-01.

Conditions:
Hereditary cancer-predisposing syndrome. Also called: Neoplastic Syndromes, Hereditary; Tumor predisposition; Hereditary Cancer Syndrome; Hereditary neoplastic syndrome. Identifiers: Orphanet 140162, MedGen C0027672, MeSH D009386, MONDO:0015356.
Familial melanoma. Also called: Hereditary melanoma; Hereditary cutaneous melanoma. Identifiers: Orphanet 618, MedGen C1512419, MONDO:0018961.

gnomAD v4.1: 2 of 1,614,140 alleles (0.00012%); highest among the groups gnomAD compares: Non-Finnish European, 0.00017%; no homozygotes.

Submissions (2):

Labcorp Genetics (formerly Invitae), Labcorp
Classification: Uncertain significance for Familial melanoma. Last evaluated: 2025-06-01. Review status: criteria provided, single submitter. Criteria: Invitae Variant Classification Sherloc (09022015). Collection method: clinical testing. Allele origin: germline.
Comment: This sequence change replaces glycine, which is neutral and non-polar, with arginine, which is basic and polar, at codon 224 of the CDK4 protein (p.Gly224Arg). This variant is not present in population databases (gnomAD no frequency). This variant has not been reported in the literature in individuals affected with CDK4-related conditions. ClinVar contains an entry for this variant (Variation ID: 483295). Invitae Evidence Modeling of protein sequence and biophysical properties (such as structural, functional, and spatial information, amino acid conservation, physicochemical variation, residue mobility, and thermodynamic stability) indicates that this missense variant is not expected to disrupt CDK4 protein function with a negative predictive value of 95%. In summary, the available evidence is currently insufficient to determine the role of this variant in disease. Therefore, it has been classified as a Variant of Uncertain Significance.

Ambry Genetics
Classification: Uncertain significance for Hereditary cancer-predisposing syndrome. Last evaluated: 2023-08-29. Review status: criteria provided, single submitter. Criteria: Ambry Variant Classification Scheme 2023. Collection method: clinical testing. Allele origin: germline.
Comment: The p.G224R variant (also known as c.670G>C), located in coding exon 5 of the CDK4 gene, results from a G to C substitution at nucleotide position 670. The glycine at codon 224 is replaced by arginine, an amino acid with dissimilar properties. This amino acid position is well conserved in available vertebrate species. In addition, this alteration is predicted to be tolerated by in silico analysis. Since supporting evidence is limited at this time, the clinical significance of this alteration remains unclear.